The following is an entry in ClinVar:

NM_000435.3(NOTCH3):c.3940G>A (p.Ala1314Thr)

Gene: NOTCH3 (notch receptor 3; minus strand). Cytogenetic location: 19p13.12.
Variant type: single nucleotide variant.
Coding change: c.3940G>A on transcript NM_000435.3 (MANE Select); coding-DNA position 3940, G replaced by A.
Protein change: p.Ala1314Thr; replaces alanine 1314 with threonine.
Molecular consequence: missense variant.
Genome position (GRCh38, 1-based): chr19:15,177,988, C>T on the plus strand (G>A on the coding strand, the complement: NOTCH3 is on the minus strand). VCF-style: chr19-15177988-C-T. GRCh37 (hg19) VCF-style: chr19-15288799-C-T.
Other names: short protein forms A1314T.
Identifiers: ClinVar variation 3381719 (VCV003381719.1).

ClinVar aggregate classification (germline): Uncertain significance (1 of 4 stars; one submission).

Submission:

GeneDx
Classification: Uncertain significance. Last evaluated: 2024-05-21. Review status: criteria provided, single submitter. Criteria: GeneDx Variant Classification Process June 2021. Collection method: clinical testing. Allele origin: germline. Affected: yes.
Comment: Not observed at significant frequency in large population cohorts (gnomAD); In silico analysis indicates that this missense variant does not alter protein structure/function; Has not been previously published as pathogenic or benign to our knowledge